The following is an entry in ClinVar:

NM_033100.4(CDHR1):c.850del (p.Ser284fs)

Gene: CDHR1 (cadherin related family member 1; plus strand). Cytogenetic location: 10q23.1.
Variant type: Deletion.
Coding change: c.850del on transcript NM_033100.4 (MANE Select); coding-DNA position 850, one base deleted (A; older notation c.850delA).
Protein change: p.Ser284fs; shifts the reading frame from serine 284.
Molecular consequence: frameshift variant.
Genome position (GRCh38, 1-based): chr10:84,204,593, A deleted. VCF-style (leftmost placement, unchanged base first): chr10-84204592-CA-C. GRCh37 (hg19) VCF-style: chr10-85964348-CA-C.
Other names: c.850del, p.Ser284fs (NM_001171971.3); short protein forms S284fs.
Identifiers: ClinVar variation 2028607 (VCV002028607.4), dbSNP rs2492505234, ClinGen allele CA2580082051.

ClinVar aggregate classification (germline): Pathogenic (1 of 4 stars; one submission).

Submission:

Labcorp Genetics (formerly Invitae), Labcorp
Classification: Pathogenic. Last evaluated: 2024-11-11. Review status: criteria provided, single submitter. Criteria: Invitae Variant Classification Sherloc (09022015). Collection method: clinical testing. Allele origin: germline.
Comment: This sequence change creates a premature translational stop signal (p.Ser284Alafs*3) in the CDHR1 gene. It is expected to result in an absent or disrupted protein product. Loss-of-function variants in CDHR1 are known to be pathogenic (PMID: 23044944, 23591405, 26103963, 26261414). This variant is not present in population databases (gnomAD no frequency). This variant has not been reported in the literature in individuals affected with CDHR1-related conditions. ClinVar contains an entry for this variant (Variation ID: 2028607). For these reasons, this variant has been classified as Pathogenic.

Literature cited by the submitters: PubMed 23044944; PubMed 23591405; PubMed 26103963; PubMed 26261414.